The following is an entry in ClinVar:

ClinVar aggregate classification (germline): Likely benign (1 of 4 stars; one submission).

Allele frequency attached by ClinVar (database versions not stated): gnomAD exomes below 0.00001.
gnomAD v4.1: 1 of 1,613,402 alleles (0.000062%); highest among the groups gnomAD compares: Non-Finnish European, 0.000085%; no homozygotes.

Submission:

CeGaT Center for Human Genetics Tuebingen
Classification: Likely benign. Last evaluated: 2024-03-01. Review status: criteria provided, single submitter. Criteria: CeGaT Center For Human Genetics Tuebingen Variant Classification Criteria Version 2. Collection method: clinical testing. Allele origin: germline. Affected: yes. Observed: 1 variant allele.
Comment: PNPLA8: PM2:Supporting, BP4, BP7

NM_001256007.3(PNPLA8):c.1821C>T (p.Ala607=)

Gene: PNPLA8 (patatin like domain 8, phospholipase A2; minus strand). Cytogenetic location: 7q31.1.
Variant type: single nucleotide variant.
Coding change: c.1821C>T on transcript NM_001256007.3 (MANE Select); coding-DNA position 1821, C replaced by T.
Protein change: p.Ala607=; no amino-acid change (alanine 607 retained).
Molecular consequence: synonymous variant. On other transcripts: intron variant (1).
Genome position (GRCh38, 1-based): chr7:108,487,816, G>A on the plus strand (C>T on the coding strand, the complement: PNPLA8 is on the minus strand). VCF-style: chr7-108487816-G-A. GRCh37 (hg19) VCF-style: chr7-108128260-G-A.
Other names: c.1821C>T, p.Ala607= (NM_001256008.3, NM_015723.5); c.1521C>T, p.Ala507= (NM_001256010.3, NM_001256011.3); c.1692+129C>T (NM_001256009.3).
Identifiers: ClinVar variation 3234428 (VCV003234428.20), dbSNP rs2552112180, ClinGen allele CA457118256.